The following is an entry in ClinVar:

ClinVar aggregate classification (germline): Uncertain significance (1 of 4 stars; one submission).

Conditions:
Cardiovascular phenotype. Identifiers: MedGen CN230736.

Allele frequency attached by ClinVar (database versions not stated): gnomAD 0.00001; gnomAD exomes 0.00003; ExAC 0.00008.
gnomAD v4.1: 47 of 1,611,504 alleles (0.0029%); highest among the groups gnomAD compares: South Asian, 0.049%; no homozygotes.

Submission:

Ambry Genetics
Classification: Uncertain significance for Cardiovascular phenotype. Last evaluated: 2019-03-29. Review status: criteria provided, single submitter. Criteria: Ambry Variant Classification Scheme 2023. Collection method: clinical testing. Allele origin: germline.
Comment: The p.L1868F variant (also known as c.5602C>T) is located in coding exon 23 of the AKAP9 gene. The leucine at codon 1868 is replaced by phenylalanine, an amino acid with highly similar properties. This change occurs in the first base pair of coding exon 23. This amino acid position is highly conserved in available vertebrate species. In addition, this alteration is predicted to be tolerated by in silico analysis. Since supporting evidence is limited at this time, the clinical significance of this alteration remains unclear.

NM_005751.5(AKAP9):c.5602C>T (p.Leu1868Phe)

Gene: AKAP9 (A-kinase anchoring protein 9; plus strand). Cytogenetic location: 7q21.2.
Variant type: single nucleotide variant.
Coding change: c.5602C>T on transcript NM_005751.5 (MANE Select); coding-DNA position 5602, C replaced by T.
Protein change: p.Leu1868Phe; replaces leucine 1868 with phenylalanine.
Molecular consequence: missense variant.
Genome position (GRCh38, 1-based): chr7:92,061,260, C>T. VCF-style: chr7-92061260-C-T. GRCh37 (hg19) VCF-style: chr7-91690574-C-T.
Other names: c.247C>T, p.Leu83Phe (NM_001379277.1); c.5602C>T, p.Leu1868Phe (NM_147185.3); short protein forms L1868F, L83F.
Identifiers: ClinVar variation 1748582 (VCV001748582.2), dbSNP rs752578751, ClinGen allele CA4336873.